The following is an entry in ClinVar:

ClinVar aggregate classification (germline): Pathogenic (1 of 4 stars; one submission).

Submission:

Labcorp Genetics (formerly Invitae), Labcorp
Classification: Pathogenic. Last evaluated: 2023-12-18. Review status: criteria provided, single submitter. Criteria: Invitae Variant Classification Sherloc (09022015). Collection method: clinical testing. Allele origin: germline.
Comment: This sequence change creates a premature translational stop signal (p.Glu1620*) in the MYO7A gene. It is expected to result in an absent or disrupted protein product. Loss-of-function variants in MYO7A are known to be pathogenic (PMID: 8900236, 25404053). This variant is not present in population databases (gnomAD no frequency). This variant has not been reported in the literature in individuals affected with MYO7A-related conditions. For these reasons, this variant has been classified as Pathogenic.

Literature cited by the submitters: PubMed 8900236; PubMed 25404053.

NM_000260.4(MYO7A):c.4858G>T (p.Glu1620Ter)

Gene: MYO7A (myosin VIIA; plus strand). Cytogenetic location: 11q13.5.
Variant type: single nucleotide variant.
Coding change: c.4858G>T on transcript NM_000260.4 (MANE Select); coding-DNA position 4858, G replaced by T.
Protein change: p.Glu1620Ter; replaces glutamic acid 1620 with a stop codon.
Molecular consequence: nonsense.
Genome position (GRCh38, 1-based): chr11:77,201,453, G>T. VCF-style: chr11-77201453-G-T. GRCh37 (hg19) VCF-style: chr11-76912498-G-T.
Other names: c.4744G>T, p.Glu1582Ter (NM_001127180.2); c.4711G>T, p.Glu1571Ter (NM_001369365.1); short protein forms E1582*, E1571*, E1620*.
Identifiers: ClinVar variation 2790702 (VCV002790702.3), dbSNP rs768472164, ClinGen allele CA381951094.